The following is an entry in ClinVar:

NM_025099.6(CTC1):c.2294T>C (p.Val765Ala)

Gene: CTC1 (CST telomere replication complex component 1; minus strand). Cytogenetic location: 17p13.1.
Variant type: single nucleotide variant.
Coding change: c.2294T>C on transcript NM_025099.6 (MANE Select); coding-DNA position 2294, T replaced by C.
Protein change: p.Val765Ala; replaces valine 765 with alanine.
Molecular consequence: missense variant. On other transcripts: non-coding transcript variant (1).
Genome position (GRCh38, 1-based): chr17:8,231,994, A>G on the plus strand (T>C on the coding strand, the complement: CTC1 is on the minus strand). VCF-style: chr17-8231994-A-G. GRCh37 (hg19) VCF-style: chr17-8135312-A-G.
Other names: short protein forms V765A.
Identifiers: ClinVar variation 1373004 (VCV001373004.8), dbSNP rs2151509260, ClinGen allele CA397977686.
Genomic context (GRCh38, chr17:8,231,994, plus strand): 5'-TCGGGCAGCCCCCATCCAGTACCCTCCTTCCTCTGGGTGCCCCCAAGCCAGCTCCCCAAC[A>G]CATAGAAACTGAGGGCGGGCTTGGGCACCTCTGGACTTGCTCCTGGGGGGACACAAAAAT-3'
Protein context (NP_079375.3, residues 755-775): EVPKPALSFY[Val765Ala]LGSWLGGTQR

ClinVar aggregate classification (germline): Uncertain significance (1 of 4 stars; one submission).

Conditions:
Dyskeratosis congenita. Identifiers: Orphanet 1775, MedGen C0265965, MONDO:0015780.

Submission:

Labcorp Genetics (formerly Invitae), Labcorp
Classification: Uncertain significance for Dyskeratosis congenita. Last evaluated: 2022-07-26. Review status: criteria provided, single submitter. Criteria: Invitae Variant Classification Sherloc (09022015). Collection method: clinical testing. Allele origin: germline.
Comment: In summary, the available evidence is currently insufficient to determine the role of this variant in disease. Therefore, it has been classified as a Variant of Uncertain Significance. Algorithms developed to predict the effect of missense changes on protein structure and function output the following: SIFT: "Deleterious"; PolyPhen-2: "Benign"; Align-GVGD: "Class C0". The alanine amino acid residue is found in multiple mammalian species, which suggests that this missense change does not adversely affect protein function. ClinVar contains an entry for this variant (Variation ID: 1373004). This variant has not been reported in the literature in individuals affected with CTC1-related conditions. This variant is not present in population databases (gnomAD no frequency). This sequence change replaces valine, which is neutral and non-polar, with alanine, which is neutral and non-polar, at codon 765 of the CTC1 protein (p.Val765Ala).